The following is an entry in ClinVar:

ClinVar aggregate classification (germline): Uncertain significance (1 of 4 stars; one submission).

gnomAD v4.1: 1 of 1,611,536 alleles (0.000062%); no homozygotes.

Submission:

GeneDx
Classification: Uncertain significance. Last evaluated: 2023-11-07. Review status: criteria provided, single submitter. Criteria: GeneDx Variant Classification Process June 2021. Collection method: clinical testing. Allele origin: germline. Affected: yes.
Comment: Not observed at significant frequency in large population cohorts (gnomAD); In silico analysis supports that this missense variant does not alter protein structure/function; Has not been previously published as pathogenic or benign to our knowledge

NM_000051.4(ATM):c.1884A>C (p.Gln628His)

Gene: ATM (ATM serine/threonine kinase; plus strand). Cytogenetic location: 11q22.3.
Variant type: single nucleotide variant.
Coding change: c.1884A>C on transcript NM_000051.4 (MANE Select); coding-DNA position 1884, A replaced by C.
Protein change: p.Gln628His; replaces glutamine 628 with histidine.
Molecular consequence: missense variant.
Genome position (GRCh38, 1-based): chr11:108,252,898, A>C. VCF-style: chr11-108252898-A-C. GRCh37 (hg19) VCF-style: chr11-108123625-A-C.
Other names: c.1884A>C, p.Gln628His (NM_001351834.2); short protein forms Q628H.
Identifiers: ClinVar variation 3364037 (VCV003364037.1).